The following is an entry in ClinVar:

ClinVar aggregate classification (germline): Uncertain significance. Review status: criteria provided, multiple submitters, no conflicts (2 of 4 stars). 2 submissions from 2 submitters: Uncertain significance (2). Last evaluated 2025-06-14.

Conditions:
Progressive familial heart block type IB (PFHB1B). Identifiers: Orphanet 871, MedGen C1970298, MONDO:0011474, OMIM 604559.
Cardiovascular phenotype. Identifiers: MedGen CN230736.

Allele frequency attached by ClinVar (database versions not stated): gnomAD exomes below 0.00001; TOPMed below 0.00001.
gnomAD v4.1: 2 of 1,613,704 alleles (0.00012%); highest among the groups gnomAD compares: Non-Finnish European, 0.00017%; no homozygotes.

Submissions (2):

Labcorp Genetics (formerly Invitae), Labcorp
Classification: Uncertain significance for Progressive familial heart block type IB. Last evaluated: 2025-06-14. Review status: criteria provided, single submitter. Criteria: Invitae Variant Classification Sherloc (09022015). Collection method: clinical testing. Allele origin: germline.
Comment: This sequence change replaces alanine, which is neutral and non-polar, with valine, which is neutral and non-polar, at codon 1105 of the TRPM4 protein (p.Ala1105Val). This variant is not present in population databases (gnomAD no frequency). This variant has not been reported in the literature in individuals affected with TRPM4-related conditions. ClinVar contains an entry for this variant (Variation ID: 1730119). An algorithm developed to predict the effect of missense changes on protein structure and function outputs the following: PolyPhen-2: "Benign". The valine amino acid residue is found in multiple mammalian species, which suggests that this missense change does not adversely affect protein function. In summary, the available evidence is currently insufficient to determine the role of this variant in disease. Therefore, it has been classified as a Variant of Uncertain Significance.

Ambry Genetics
Classification: Uncertain significance for Cardiovascular phenotype. Last evaluated: 2017-12-20. Review status: criteria provided, single submitter. Criteria: Ambry Variant Classification Scheme 2023. Collection method: clinical testing. Allele origin: germline.
Comment: The p.A1105V variant (also known as c.3314C>T), located in coding exon 21 of the TRPM4 gene, results from a C to T substitution at nucleotide position 3314. The alanine at codon 1105 is replaced by valine, an amino acid with similar properties. This amino acid position is poorly conserved in available vertebrate species, and valine is the reference amino acid in other vertebrate species. In addition, this alteration is predicted to be tolerated by in silico analysis. Since supporting evidence is limited at this time, the clinical significance of this alteration remains unclear.

NM_017636.4(TRPM4):c.3314C>T (p.Ala1105Val)

Gene: TRPM4 (transient receptor potential cation channel subfamily M member 4; plus strand). Cytogenetic location: 19q13.33.
Variant type: single nucleotide variant.
Coding change: c.3314C>T on transcript NM_017636.4 (MANE Select); coding-DNA position 3314, C replaced by T.
Protein change: p.Ala1105Val; replaces alanine 1105 with valine.
Molecular consequence: missense variant.
Genome position (GRCh38, 1-based): chr19:49,210,391, C>T. VCF-style: chr19-49210391-C-T. GRCh37 (hg19) VCF-style: chr19-49713648-C-T.
Other names: c.2879C>T, p.Ala960Val (NM_001195227.2); c.2969C>T, p.Ala990Val (NM_001321281.2); c.1706C>T, p.Ala569Val (NM_001321282.2); c.2792C>T, p.Ala931Val (NM_001321283.2); c.2252C>T, p.Ala751Val (NM_001321285.2); short protein forms A931V, A960V, A990V, A1105V, A569V, A751V.
Identifiers: ClinVar variation 1730119 (VCV001730119.3), dbSNP rs995641074, ClinGen allele CA309420319.